The following is an entry in ClinVar:

ClinVar aggregate classification (germline): Uncertain significance (1 of 4 stars; one submission).

gnomAD v4.1: 1 of 1,613,390 alleles (0.000062%); no homozygotes.

Submission:

Labcorp Genetics (formerly Invitae), Labcorp
Classification: Uncertain significance. Last evaluated: 2022-08-02. Review status: criteria provided, single submitter. Criteria: Invitae Variant Classification Sherloc (09022015). Collection method: clinical testing. Allele origin: germline.
Comment: This sequence change replaces glutamic acid, which is acidic and polar, with aspartic acid, which is acidic and polar, at codon 2844 of the HERC1 protein (p.Glu2844Asp). This variant is not present in population databases (gnomAD no frequency). This variant has not been reported in the literature in individuals affected with HERC1-related conditions. Algorithms developed to predict the effect of missense changes on protein structure and function (SIFT, PolyPhen-2, Align-GVGD) all suggest that this variant is likely to be disruptive. In summary, the available evidence is currently insufficient to determine the role of this variant in disease. Therefore, it has been classified as a Variant of Uncertain Significance.

NM_003922.4(HERC1):c.8532A>T (p.Glu2844Asp)

Gene: HERC1 (HECT and RLD domain containing E3 ubiquitin protein ligase family member 1; minus strand). Cytogenetic location: 15q22.31.
Variant type: single nucleotide variant.
Coding change: c.8532A>T on transcript NM_003922.4 (MANE Select); coding-DNA position 8532, A replaced by T.
Protein change: p.Glu2844Asp; replaces glutamic acid 2844 with aspartic acid.
Molecular consequence: missense variant.
Genome position (GRCh38, 1-based): chr15:63,665,942, T>A on the plus strand (A>T on the coding strand, the complement: HERC1 is on the minus strand). VCF-style: chr15-63665942-T-A. GRCh37 (hg19) VCF-style: chr15-63958141-T-A.
Other names: short protein forms E2844D.
Identifiers: ClinVar variation 2134263 (VCV002134263.1), dbSNP rs949760382, ClinGen allele CA272116045.